The following is an entry in ClinVar:

ClinVar aggregate classification (germline): Uncertain significance (1 of 4 stars; one submission).

Submission:

Ambry Genetics
Classification: Uncertain significance. Last evaluated: 2023-12-14. Review status: criteria provided, single submitter. Criteria: Ambry Variant Classification Scheme 2023. Collection method: clinical testing. Allele origin: germline.
Comment: The p.T366A variant (also known as c.1096A>G), located in coding exon 7 of the IDH1 gene, results from an A to G substitution at nucleotide position 1096. The threonine at codon 366 is replaced by alanine, an amino acid with similar properties. This amino acid position is conserved. In addition, this alteration is predicted to be deleterious by in silico analysis. Since supporting evidence is limited at this time, the clinical significance of this alteration remains unclear.

NM_005896.4(IDH1):c.1096A>G (p.Thr366Ala)

Gene: IDH1 (isocitrate dehydrogenase (NADP(+)) 1; minus strand). Cytogenetic location: 2q34.
Variant type: single nucleotide variant.
Coding change: c.1096A>G on transcript NM_005896.4 (MANE Select); coding-DNA position 1096, A replaced by G.
Protein change: p.Thr366Ala; replaces threonine 366 with alanine.
Molecular consequence: missense variant.
Genome position (GRCh38, 1-based): chr2:208,239,129, T>C on the plus strand (A>G on the coding strand, the complement: IDH1 is on the minus strand). VCF-style: chr2-208239129-T-C. GRCh37 (hg19) VCF-style: chr2-209103853-T-C.
Other names: c.1096A>G, p.Thr366Ala (NM_001282386.1, NM_001282387.1); short protein forms T366A.
Identifiers: ClinVar variation 3225119 (VCV003225119.1), dbSNP rs2124847366, ClinGen allele CA350094251.